The following is an entry in ClinVar:

NM_000136.3(FANCC):c.507del (p.Phe169fs)

Gene: FANCC (FA complementation group C; minus strand). Cytogenetic location: 9q22.32.
Variant type: Deletion.
Coding change: c.507del on transcript NM_000136.3 (MANE Select); coding-DNA position 507, one base deleted (T; older notation c.507delT).
Protein change: p.Phe169fs; shifts the reading frame from phenylalanine 169.
Molecular consequence: frameshift variant.
Genome position (GRCh38, 1-based): chr9:95,171,093, A deleted on the plus strand (T on the coding strand, the reverse complement: FANCC is on the minus strand); the first of 3 consecutive A bases (chr9:95,171,093-95,171,095); deleting any one gives the same sequence. VCF-style (leftmost placement, unchanged base first): chr9-95171092-TA-T. GRCh37 (hg19) VCF-style: chr9-97933374-TA-T.
Other names: c.507delT (NM_000136.2); c.507del, p.Phe169fs (NM_001243743.2, NM_001243744.2); c.507del (NM_000136.2); short protein forms F169fs.
Identifiers: ClinVar variation 649429 (VCV000649429.12), dbSNP rs1588218493, ClinGen allele CA915947037.

ClinVar aggregate classification (germline): Pathogenic/Likely pathogenic. Review status: criteria provided, multiple submitters, no conflicts (2 of 4 stars). 4 submissions from 4 submitters: Pathogenic (2); Likely pathogenic (2). Last evaluated 2025-06-25.

Conditions:
Hereditary cancer-predisposing syndrome. Also called: Neoplastic Syndromes, Hereditary; Tumor predisposition; Hereditary Cancer Syndrome; Hereditary neoplastic syndrome. Identifiers: Orphanet 140162, MedGen C0027672, MeSH D009386, MONDO:0015356.
Fanconi anemia complementation group C (FANCC). Also called: FANCC-Related Fanconi Anemia; Fanconi anemia, group C; FANCONI PANCYTOPENIA, TYPE 3; FACC. Identifiers: Orphanet 84, MedGen C3468041, MONDO:0009213, OMIM 227645.
Fanconi anemia (FA). Also called: Fanconi's anemia. Identifiers: Orphanet 84, MedGen C0015625, MeSH D005199, MONDO:0019391.

Submissions (4):

Natera, Inc.
Classification: Likely pathogenic for Fanconi anemia. Last evaluated: 2025-06-25. Review status: criteria provided, single submitter. Criteria: Natera Variant Classification Schema (03/2026). Collection method: clinical testing. Allele origin: germline.
Comment: The c.507del variant in FANCC is a frameshift variant predicted to shift the reading frame beginning at codon 169 and leads to a stop codon 25 codons downstream. This variant is expected to result in nonsense mediated decay, truncation, or a dysfunctional protein product. This variant is rare in the general population with a frequency below the threshold expected for the associated phenotype(s). Given the available evidence, this variant is classified as Likely Pathogenic.

Baylor Genetics
Classification: Likely pathogenic for Fanconi anemia complementation group C. Last evaluated: 2024-03-25. Review status: criteria provided, single submitter. Criteria: ACMG Guidelines, 2015. Collection method: clinical testing. Allele origin: unknown.

Labcorp Genetics (formerly Invitae), Labcorp
Classification: Pathogenic for Fanconi anemia. Last evaluated: 2024-01-31. Review status: criteria provided, single submitter. Criteria: Invitae Variant Classification Sherloc (09022015). Collection method: clinical testing. Allele origin: germline.
Comment: This sequence change creates a premature translational stop signal (p.Phe169Leufs*25) in the FANCC gene. It is expected to result in an absent or disrupted protein product. Loss-of-function variants in FANCC are known to be pathogenic (PMID: 17924555). This variant is not present in population databases (gnomAD no frequency). This variant has not been reported in the literature in individuals affected with FANCC-related conditions. ClinVar contains an entry for this variant (Variation ID: 649429). For these reasons, this variant has been classified as Pathogenic.

Ambry Genetics
Classification: Pathogenic for Hereditary cancer-predisposing syndrome. Last evaluated: 2021-11-19. Review status: criteria provided, single submitter. Criteria: Ambry Variant Classification Scheme 2023. Collection method: clinical testing. Allele origin: germline.
Comment: The c.507delT pathogenic mutation, located in coding exon 5 of the FANCC gene, results from a deletion of one nucleotide at nucleotide position 507, causing a translational frameshift with a predicted alternate stop codon (p.F169Lfs*25). This alteration is expected to result in loss of function by premature protein truncation or nonsense-mediated mRNA decay. As such, this alteration is interpreted as a disease-causing mutation.

Literature cited by the submitters: PubMed 17924555 (cited by Labcorp Genetics (formerly Invitae), Labcorp).